The following is an entry in ClinVar:

ClinVar aggregate classification (germline): Likely benign (1 of 4 stars; one submission).

Submission:

CeGaT Center for Human Genetics Tuebingen
Classification: Likely benign. Last evaluated: 2022-12-01. Review status: criteria provided, single submitter. Criteria: CeGaT Center For Human Genetics Tuebingen Variant Classification Criteria Version 2. Collection method: clinical testing. Allele origin: germline. Affected: yes. Observed: 1 variant allele.
Comment: H2BC6: BS2; H2BC7: BS2

NM_003523.3(H2BC6):c.70AAG[1] (p.Lys25del)

Genes: H2BC6 (H2B clustered histone 6; plus strand), H2BC7 (H2B clustered histone 7; plus strand). Cytogenetic location: 6p22.2.
Variant type: Microsatellite.
Coding change: c.70AAG[1] on transcript NM_003523.3 (MANE Select); one copy of the 3-base unit AAG starting at c.70; the reference has two copies in a row; one copy, 3 bases deleted.
Protein change: p.Lys25del; deletes lysine 25.
Molecular consequence: inframe deletion.
Genome position (GRCh38, 1-based): chr6:26,183,868-26,183,870, AAG deleted; deleting any 3 consecutive bases within chr6:26,183,863-26,183,870 gives the same sequence; the position shown is the placement nearest the transcript's 3' end. VCF-style (leftmost placement, unchanged base first): chr6-26183862-CAGA-C. GRCh37 (hg19) VCF-style: chr6-26184090-CAGA-C.
Other names: short protein forms K25del.
Identifiers: ClinVar variation 2656308 (VCV002656308.24), dbSNP rs549755584, ClinGen allele CA3668538.
Genomic context (GRCh38, chr6:26,183,862, plus strand): 5'-GAGCCAGCGAAATCCGCTCCCGCCCCGAAGAAGGGCTCCAAGAAGGCCGTGACCAAGGCG[CAGA>C]AGAAGGACGGCAAGAAGCGCAAGCGCAGCCGCAAGGAGAGCTACTCCGTATACGTGTACA-3'